The following is an entry in ClinVar:

ClinVar aggregate classification (germline): Uncertain significance (1 of 4 stars; one submission).

Conditions:
Danon disease. Also called: Glycogen Storage Disease Type IIb; ANTOPOL DISEASE; PSEUDOGLYCOGENOSIS II; GSD IIb; LYSOSOMAL GLYCOGEN STORAGE DISEASE WITHOUT ACID MALTASE DEFICIENCY. Identifiers: Orphanet 34587, MedGen C0878677, MONDO:0010281, OMIM 300257.

Submission:

Labcorp Genetics (formerly Invitae), Labcorp
Classification: Uncertain significance for Danon disease. Last evaluated: 2025-08-29. Review status: criteria provided, single submitter. Criteria: Invitae Variant Classification Sherloc (09022015). Collection method: clinical testing. Allele origin: germline.
Comment: This sequence change replaces glycine, which is neutral and non-polar, with cysteine, which is neutral and slightly polar, at codon 180 of the LAMP2 protein (p.Gly180Cys). This variant is not present in population databases (gnomAD no frequency). This variant has not been reported in the literature in individuals affected with LAMP2-related conditions. Invitae Evidence Modeling of protein sequence and biophysical properties (such as structural, functional, and spatial information, amino acid conservation, physicochemical variation, residue mobility, and thermodynamic stability) indicates that this missense variant is expected to disrupt LAMP2 protein function with a positive predictive value of 80%. In summary, the available evidence is currently insufficient to determine the role of this variant in disease. Therefore, it has been classified as a Variant of Uncertain Significance.

NM_002294.3(LAMP2):c.538G>T (p.Gly180Cys)

Gene: LAMP2 (lysosome associated membrane protein 2; minus strand). Cytogenetic location: Xq24.
Variant type: single nucleotide variant.
Coding change: c.538G>T on transcript NM_002294.3 (MANE Select); coding-DNA position 538, G replaced by T.
Protein change: p.Gly180Cys; replaces glycine 180 with cysteine.
Molecular consequence: missense variant.
Genome position (GRCh38, 1-based): chrX:120,448,988, C>A on the plus strand (G>T on the coding strand, the complement: LAMP2 is on the minus strand). VCF-style: chrX-120448988-C-A. GRCh37 (hg19) VCF-style: chrX-119582843-C-A.
Other names: c.538G>T, p.Gly180Cys (NM_001122606.1, NM_013995.2); short protein forms G180C.
Identifiers: ClinVar variation 4746387 (VCV004746387.1).